The following is an entry in ClinVar:

ClinVar aggregate classification (germline): Uncertain significance (1 of 4 stars; one submission).

Submission:

Ambry Genetics
Classification: Uncertain significance. Last evaluated: 2022-10-31. Review status: criteria provided, single submitter. Criteria: Ambry Variant Classification Scheme 2023. Collection method: clinical testing. Allele origin: germline.
Comment: The p.F1308I variant (also known as c.3922T>A), located in coding exon 36 of the KIF1B gene, results from a T to A substitution at nucleotide position 3922. The phenylalanine at codon 1308 is replaced by isoleucine, an amino acid with highly similar properties. This amino acid position is conserved. In addition, the in silico prediction for this alteration is inconclusive. Since supporting evidence is limited at this time, the clinical significance of this alteration remains unclear.

NM_001365951.3(KIF1B):c.4060T>A (p.Phe1354Ile)

Gene: KIF1B (kinesin family member 1B; plus strand). Cytogenetic location: 1p36.22.
Variant type: single nucleotide variant.
Coding change: c.4060T>A on transcript NM_001365951.3 (MANE Select); coding-DNA position 4060, T replaced by A.
Protein change: p.Phe1354Ile; replaces phenylalanine 1354 with isoleucine.
Molecular consequence: missense variant.
Genome position (GRCh38, 1-based): chr1:10,360,933, T>A. VCF-style: chr1-10360933-T-A. GRCh37 (hg19) VCF-style: chr1-10420991-T-A.
Other names: c.4060T>A, p.Phe1354Ile (NM_001365952.1); c.3922T>A, p.Phe1308Ile (NM_015074.3); short protein forms F1308I, F1354I.
Identifiers: ClinVar variation 1736213 (VCV001736213.3), dbSNP rs371863923, ClinGen allele CA338315503.